The following is an entry in ClinVar:

NM_000135.4(FANCA):c.1348G>T (p.Asp450Tyr)

Gene: FANCA (FA complementation group A; minus strand). Cytogenetic location: 16q24.3.
Variant type: single nucleotide variant.
Coding change: c.1348G>T on transcript NM_000135.4 (MANE Select); coding-DNA position 1348, G replaced by T.
Protein change: p.Asp450Tyr; replaces aspartic acid 450 with tyrosine.
Molecular consequence: missense variant.
Genome position (GRCh38, 1-based): chr16:89,791,414, C>A on the plus strand (G>T on the coding strand, the complement: FANCA is on the minus strand). VCF-style: chr16-89791414-C-A. GRCh37 (hg19) VCF-style: chr16-89857822-C-A.
Other names: c.1348G>T, p.Asp450Tyr (NM_001286167.3); short protein forms D450Y.
Identifiers: ClinVar variation 952695 (VCV000952695.10), dbSNP rs1262122499, ClinGen allele CA397463657.

ClinVar aggregate classification (germline): Uncertain significance. Review status: criteria provided, multiple submitters, no conflicts (2 of 4 stars). 2 submissions from 2 submitters: Uncertain significance (2). Last evaluated 2025-06-07.

Conditions:
Inborn genetic diseases. Identifiers: MedGen C0950123, MeSH D030342.
Fanconi anemia (FA). Also called: Fanconi's anemia. Identifiers: Orphanet 84, MedGen C0015625, MeSH D005199, MONDO:0019391.

gnomAD v4.1: 1 of 1,614,032 alleles (0.000062%); highest among the groups gnomAD compares: Non-Finnish European, 0.000085%; no homozygotes.

Submissions (2):

Ambry Genetics
Classification: Uncertain significance for Inborn genetic diseases. Last evaluated: 2025-06-07. Review status: criteria provided, single submitter. Criteria: Ambry Variant Classification Scheme 2023. Collection method: clinical testing. Allele origin: germline.
Comment: The p.D450Y variant (also known as c.1348G>T), located in coding exon 14 of the FANCA gene, results from a G to T substitution at nucleotide position 1348. The aspartic acid at codon 450 is replaced by tyrosine, an amino acid with highly dissimilar properties. This amino acid position is conserved. In addition, the in silico prediction for this alteration is inconclusive. Based on the available evidence, the clinical significance of this variant remains unclear.

Labcorp Genetics (formerly Invitae), Labcorp
Classification: Uncertain significance for Fanconi anemia. Last evaluated: 2023-09-23. Review status: criteria provided, single submitter. Criteria: Invitae Variant Classification Sherloc (09022015). Collection method: clinical testing. Allele origin: germline.
Comment: Advanced modeling of protein sequence and biophysical properties (such as structural, functional, and spatial information, amino acid conservation, physicochemical variation, residue mobility, and thermodynamic stability) performed at Invitae indicates that this missense variant is expected to disrupt FANCA protein function. In summary, the available evidence is currently insufficient to determine the role of this variant in disease. Therefore, it has been classified as a Variant of Uncertain Significance. ClinVar contains an entry for this variant (Variation ID: 952695). This variant has not been reported in the literature in individuals affected with FANCA-related conditions. This variant is not present in population databases (gnomAD no frequency). This sequence change replaces aspartic acid, which is acidic and polar, with tyrosine, which is neutral and polar, at codon 450 of the FANCA protein (p.Asp450Tyr).